The following is an entry in ClinVar:

NM_007074.4(CORO1A):c.263C>G (p.Ala88Gly)

Gene: CORO1A (coronin 1A; plus strand). Cytogenetic location: 16p11.2.
Variant type: single nucleotide variant.
Coding change: c.263C>G on transcript NM_007074.4 (MANE Select); coding-DNA position 263, C replaced by G.
Protein change: p.Ala88Gly; replaces alanine 88 with glycine.
Molecular consequence: missense variant.
Genome position (GRCh38, 1-based): chr16:30,186,662, C>G. VCF-style: chr16-30186662-C-G. GRCh37 (hg19) VCF-style: chr16-30197983-C-G.
Other names: c.263C>G, p.Ala88Gly (NM_001193333.3); short protein forms A88G.
Identifiers: ClinVar variation 1442291 (VCV001442291.8), dbSNP rs2073337779, ClinGen allele CA395492142.
Genomic context (GRCh38, chr16:30,186,662, plus strand): 5'-GACGTGTGGACAAGAATGCGCCCACGGTCTGTGGCCACACAGCCCCTGTGCTAGACATCG[C>G]CTGGTGCCCGCACAATGACAACGTCATTGCCAGTGGCTCCGAGGACTGCACAGTCATGGT-3'
Protein context (NP_009005.1, residues 78-98): CGHTAPVLDI[Ala88Gly]WCPHNDNVIA

ClinVar aggregate classification (germline): Uncertain significance (1 of 4 stars; one submission).

Conditions:
Severe combined immunodeficiency due to CORO1A deficiency. Also called: Immunodeficiency 8; IMMUNODEFICIENCY 8 WITH LYMPHOPROLIFERATION. Identifiers: Orphanet 228003, MedGen C3809383, MONDO:0014168, OMIM 615401.

Submission:

Labcorp Genetics (formerly Invitae), Labcorp
Classification: Uncertain significance for Severe combined immunodeficiency due to CORO1A deficiency. Last evaluated: 2020-12-26. Review status: criteria provided, single submitter. Criteria: Invitae Variant Classification Sherloc (09022015). Collection method: clinical testing. Allele origin: germline.
Comment: This sequence change replaces alanine with glycine at codon 88 of the CORO1A protein (p.Ala88Gly). The alanine residue is moderately conserved and there is a small physicochemical difference between alanine and glycine. This variant is not present in population databases (ExAC no frequency). This variant has not been reported in the literature in individuals with CORO1A-related conditions. Algorithms developed to predict the effect of missense changes on protein structure and function (SIFT, PolyPhen-2, Align-GVGD) all suggest that this variant is likely to be tolerated, but these predictions have not been confirmed by published functional studies and their clinical significance is uncertain. In summary, the available evidence is currently insufficient to determine the role of this variant in disease. Therefore, it has been classified as a Variant of Uncertain Significance.